The following is an entry in ClinVar:

ClinVar aggregate classification (germline): Uncertain significance. Review status: criteria provided, single submitter (1 of 4 stars). 2 submissions from 2 submitters: Uncertain significance (1). 1 of the submissions does not count toward it. Last evaluated 2025-09-24.

Conditions:
ARID1A-related disorder. Also called: ARID1A-related condition.

gnomAD v4.1: 73 of 1,612,024 alleles (0.0045%); highest among the groups gnomAD compares: Non-Finnish European, 0.0059%; no homozygotes.

Submissions (2):

Labcorp Genetics (formerly Invitae), Labcorp
Classification: Uncertain significance. Last evaluated: 2025-09-24. Review status: criteria provided, single submitter. Criteria: Invitae Variant Classification Sherloc (09022015). Collection method: clinical testing. Allele origin: germline.
Comment: This sequence change replaces proline, which is neutral and non-polar, with leucine, which is neutral and non-polar, at codon 912 of the ARID1A protein (p.Pro912Leu). This variant is present in population databases (no rsID available, gnomAD 0.007%). This variant has not been reported in the literature in individuals affected with ARID1A-related conditions. ClinVar contains an entry for this variant (Variation ID: 3352345). Experimental studies and prediction algorithms are not available or were not evaluated, and the functional significance of this variant is currently unknown. In summary, the available evidence is currently insufficient to determine the role of this variant in disease. Therefore, it has been classified as a Variant of Uncertain Significance.

PreventionGenetics, part of Exact Sciences
Classification: Likely benign for ARID1A-related condition. Last evaluated: 2024-03-21. Review status: no assertion criteria provided. Collection method: clinical testing. Allele origin: germline. Not counted in ClinVar's aggregate classification.
Comment: This variant is classified as likely benign based on ACMG/AMP sequence variant interpretation guidelines (Richards et al. 2015 PMID: 25741868, with internal and published modifications).

NM_006015.6(ARID1A):c.2735C>T (p.Pro912Leu)

Gene: ARID1A (AT-rich interaction domain 1A; plus strand). Cytogenetic location: 1p36.11.
Variant type: single nucleotide variant.
Coding change: c.2735C>T on transcript NM_006015.6 (MANE Select); coding-DNA position 2735, C replaced by T.
Protein change: p.Pro912Leu; replaces proline 912 with leucine.
Molecular consequence: missense variant.
Genome position (GRCh38, 1-based): chr1:26,766,223, C>T. VCF-style: chr1-26766223-C-T. GRCh37 (hg19) VCF-style: chr1-27092714-C-T.
Other names: c.2735C>T, p.Pro912Leu (NM_139135.4); short protein forms P912L.
Identifiers: ClinVar variation 3352345 (VCV003352345.3).